The following is an entry in ClinVar:

ClinVar aggregate classification (germline): Uncertain significance (1 of 4 stars; one submission).

Conditions:
Fanconi anemia (FA). Also called: Fanconi's anemia. Identifiers: Orphanet 84, MedGen C0015625, MeSH D005199, MONDO:0019391.

Submission:

Labcorp Genetics (formerly Invitae), Labcorp
Classification: Uncertain significance for Fanconi anemia. Last evaluated: 2022-07-19. Review status: criteria provided, single submitter. Criteria: Invitae Variant Classification Sherloc (09022015). Collection method: clinical testing. Allele origin: germline.
Comment: In summary, the available evidence is currently insufficient to determine the role of this variant in disease. Therefore, it has been classified as a Variant of Uncertain Significance. Variants that disrupt the consensus splice site are a relatively common cause of aberrant splicing (PMID: 17576681, 9536098). Algorithms developed to predict the effect of sequence changes on RNA splicing suggest that this variant is not likely to affect RNA splicing. This variant has not been reported in the literature in individuals affected with FANCD2-related conditions. This variant is not present in population databases (gnomAD no frequency). This sequence change falls in intron 21 of the FANCD2 gene. It does not directly change the encoded amino acid sequence of the FANCD2 protein. It affects a nucleotide within the consensus splice site.

Literature cited by the submitters: PubMed 17576681; PubMed 9536098.

NM_001018115.3(FANCD2):c.1947+3A>G

Genes: FANCD2 (FA complementation group D2; plus strand), LOC107303338 (3p25 FANCD2 Alu-mediated recombination region; plus strand). Cytogenetic location: 3p25.3.
Variant type: single nucleotide variant.
Coding change: c.1947+3A>G on transcript NM_001018115.3 (MANE Select); 3 bases into the intron after coding-DNA position 1947, A replaced by G.
Molecular consequence: intron variant.
Genome position (GRCh38, 1-based): chr3:10,063,914, A>G. VCF-style: chr3-10063914-A-G. GRCh37 (hg19) VCF-style: chr3-10105598-A-G.
Other names: c.1947+3A>G (NM_001319984.2, NM_033084.6, NM_001374254.1); c.1836+3A>G (NM_001374253.1).
Identifiers: ClinVar variation 1980297 (VCV001980297.4), dbSNP rs2469965603, ClinGen allele CA2580068365.
Genomic context (GRCh38, chr3:10,063,914, plus strand): 5'-TTACTATGATGAATTTGCCAACCTGATCCAACATGAAAAGCTGGATCCAAAAGCCCTGGT[A>G]AAGCCAATTGTCTTTTCTTAAAGCAATAAAGCATGAGAGCTGCTTTACTACACTCTTCAA-3'